The following is an entry in ClinVar:

ClinVar aggregate classification (germline): Pathogenic/Likely pathogenic. Review status: criteria provided, multiple submitters, no conflicts (2 of 4 stars). 4 submissions from 4 submitters: Pathogenic (2); Likely pathogenic (2). Last evaluated 2024-09-20.

Conditions:
Deficiency of alpha-mannosidase (MANSA). Also called: LYSOSOMAL ALPHA-D-MANNOSIDASE DEFICIENCY; Alpha-Mannosidosis; Mannosidosis, alpha-, types I and II. Identifiers: Orphanet 61, MedGen C0024748, MONDO:0009561, OMIM 248500.

Allele frequency attached by ClinVar (database versions not stated): gnomAD exomes below 0.00001; TOPMed below 0.00001.
gnomAD v4.1: 1 of 1,614,024 alleles (0.000062%); highest among the groups gnomAD compares: Non-Finnish European, 0.000085%; no homozygotes.

Submissions (4):

Natera, Inc.
Classification: Likely pathogenic for Alpha-mannosidosis. Last evaluated: 2024-09-20. Review status: criteria provided, single submitter. Criteria: Natera Variant Classification Schema (03/2026). Collection method: clinical testing. Allele origin: germline.
Comment: The c.2175G>A variant in MAN2B1 is a nonsense variant predicted to introduce a stop codon at amino acid 725. This variant is expected to result in nonsense mediated decay, truncation, or a dysfunctional protein product. This variant is rare in the general population with a frequency below the threshold expected for the associated phenotype(s). Given the available evidence, this variant is classified as Likely Pathogenic.

Baylor Genetics
Classification: Likely pathogenic for Deficiency of alpha-mannosidase. Last evaluated: 2023-12-10. Review status: criteria provided, single submitter. Criteria: ACMG Guidelines, 2015. Collection method: clinical testing. Allele origin: unknown.

Labcorp Genetics (formerly Invitae), Labcorp
Classification: Pathogenic for Deficiency of alpha-mannosidase. Last evaluated: 2022-11-29. Review status: criteria provided, single submitter. Criteria: Invitae Variant Classification Sherloc (09022015). Collection method: clinical testing. Allele origin: germline.
Comment: For these reasons, this variant has been classified as Pathogenic. ClinVar contains an entry for this variant (Variation ID: 1071094). This variant has not been reported in the literature in individuals affected with MAN2B1-related conditions. This variant is present in population databases (no rsID available, gnomAD 0.0009%). This sequence change creates a premature translational stop signal (p.Trp725*) in the MAN2B1 gene. It is expected to result in an absent or disrupted protein product. Loss-of-function variants in MAN2B1 are known to be pathogenic (PMID: 9915946, 22161967).

Genome-Nilou Lab
Classification: Pathogenic for Deficiency of alpha-mannosidase. Last evaluated: 2021-09-05. Review status: criteria provided, single submitter. Criteria: ACMG Guidelines, 2015. Collection method: clinical testing. Allele origin: germline. Affected: no.

Literature cited by the submitters: PubMed 9915946 (cited by Labcorp Genetics (formerly Invitae), Labcorp); PubMed 22161967 (cited by Labcorp Genetics (formerly Invitae), Labcorp).

NM_000528.4(MAN2B1):c.2175G>A (p.Trp725Ter)

Gene: MAN2B1 (mannosidase alpha class 2B member 1; minus strand). Cytogenetic location: 19p13.13.
Variant type: single nucleotide variant.
Coding change: c.2175G>A on transcript NM_000528.4 (MANE Select); coding-DNA position 2175, G replaced by A.
Protein change: p.Trp725Ter; replaces tryptophan 725 with a stop codon.
Molecular consequence: nonsense.
Genome position (GRCh38, 1-based): chr19:12,650,005, C>T on the plus strand (G>A on the coding strand, the complement: MAN2B1 is on the minus strand). VCF-style: chr19-12650005-C-T. GRCh37 (hg19) VCF-style: chr19-12760819-C-T.
Other names: c.2172G>A, p.Trp724Ter (NM_001173498.2); c.2175G>A (NM_000528.3); short protein forms W724*, W725*.
Identifiers: ClinVar variation 1071094 (VCV001071094.11), dbSNP rs1392422167, ClinGen allele CA404242952.
Genomic context (GRCh38, chr19:12,650,005, plus strand): 5'-TGTGTAGAAGCGTCCCTTTGTCTCCAGCGGTGTGTCAAAACGGCTGATGACCTCCTTCCC[C>T]CAGGTGTCGCTGTACCCAATGGGATGGCAAGGTTGTGAGCCTTGGATAAACCCCTCTGCC-3'